The following is an entry in ClinVar:

ClinVar aggregate classification (germline): Uncertain significance (1 of 4 stars; one submission).

Conditions:
Epidermolysis bullosa simplex 5B, with muscular dystrophy (EBS5B). Also called: Epidermolysis bullosa simplex with muscular dystrophy; EPIDERMOLYSIS BULLOSA SIMPLEX AND LIMB-GIRDLE MUSCULAR DYSTROPHY. Identifiers: Orphanet 257, MedGen C2931072, MONDO:0009181, OMIM 226670.
Epidermolysis bullosa simplex, Ogna type (EBS5A). Also called: Pidermolysis bullosa simplex 5A, Ogna type; EPIDERMOLYSIS BULLOSA SIMPLEX 5A, OGNA TYPE. Identifiers: Orphanet 79401, MedGen C0432317, MONDO:0007555, OMIM 131950.
Epidermolysis bullosa simplex 5C, with pyloric atresia (EBS5C). Also called: PLEC-Related Epidermolysis Bullosa with Pyloric Atresia; Epidermolysis bullosa simplex with pyloric atresia; PLEC1-Related Epidermolysis Bullosa with Pyloric Atresia. Identifiers: Orphanet 158684, MedGen C2677349, MONDO:0012807, OMIM 612138.
Autosomal recessive limb-girdle muscular dystrophy type 2Q (LGMDR17). Also called: MUSCULAR DYSTROPHY, LIMB-GIRDLE, AUTOSOMAL RECESSIVE 17. Identifiers: Orphanet 254361, MedGen C3150989, MONDO:0013390, OMIM 613723.
Epidermolysis bullosa simplex with nail dystrophy (EBS5D). Identifiers: MedGen C4225309, MONDO:0014661, OMIM 616487.

Submission:

Labcorp Genetics (formerly Invitae), Labcorp
Classification: Uncertain significance for Autosomal recessive limb-girdle muscular dystrophy type 2Q; Epidermolysis bullosa simplex, Ogna type; Epidermolysis bullosa simplex with nail dystrophy; Epidermolysis bullosa simplex 5C, with pyloric atresia; Epidermolysis bullosa simplex 5B, with muscular dystrophy. Last evaluated: 2022-07-13. Review status: criteria provided, single submitter. Criteria: Invitae Variant Classification Sherloc (09022015). Collection method: clinical testing. Allele origin: germline.
Comment: This sequence change falls in intron 4 of the PLEC gene. It does not directly change the encoded amino acid sequence of the PLEC protein. It affects a nucleotide within the consensus splice site. This variant is not present in population databases (gnomAD no frequency). This variant has not been reported in the literature in individuals affected with PLEC-related conditions. Variants that disrupt the consensus splice site are a relatively common cause of aberrant splicing (PMID: 17576681, 9536098). Algorithms developed to predict the effect of sequence changes on RNA splicing suggest that this variant may create or strengthen a splice site. In summary, the available evidence is currently insufficient to determine the role of this variant in disease. Therefore, it has been classified as a Variant of Uncertain Significance.

Literature cited by the submitters: PubMed 17576681; PubMed 9536098.

NM_201384.3(PLEC):c.264+5G>T

Gene: PLEC (plectin; minus strand). Cytogenetic location: 8q24.3.
Variant type: single nucleotide variant.
Coding change: c.264+5G>T on transcript NM_201384.3 (MANE Select); 5 bases into the intron after coding-DNA position 264, G replaced by T.
Molecular consequence: intron variant.
Genome position (GRCh38, 1-based): chr8:143,938,146, C>A on the plus strand (G>T on the coding strand, the complement: PLEC is on the minus strand). VCF-style: chr8-143938146-C-A. GRCh37 (hg19) VCF-style: chr8-145012314-C-A.
Other names: c.345+5G>T (NM_000445.5); c.222+5G>T (NM_201378.4); c.198+5G>T (NM_201379.3); c.675+5G>T (NM_201380.4); c.168+5G>T (NM_201381.3); c.264+5G>T (NM_201382.4); c.276+5G>T (NM_201383.3).
Identifiers: ClinVar variation 2016827 (VCV002016827.4), dbSNP rs1829552327, ClinGen allele CA2580078676.